The following is an entry in ClinVar:

NM_001035.3(RYR2):c.12931A>C (p.Ser4311Arg)

Genes: RYR2 (ryanodine receptor 2; plus strand), LOC126806068 (BRD4-independent group 4 enhancer GRCh37_chr1:237947411-237948610; plus strand). Cytogenetic location: 1q43.
Variant type: single nucleotide variant.
Coding change: c.12931A>C on transcript NM_001035.3 (MANE Select); coding-DNA position 12931, A replaced by C.
Protein change: p.Ser4311Arg; replaces serine 4311 with arginine.
Molecular consequence: missense variant.
Genome position (GRCh38, 1-based): chr1:237,784,643, A>C. VCF-style: chr1-237784643-A-C. GRCh37 (hg19) VCF-style: chr1-237947943-A-C.
Other names: c.12931A>C (NM_001035.2); short protein forms S4311R.
Identifiers: ClinVar variation 1332060 (VCV001332060.9), dbSNP rs2149355805, ClinGen allele CA345414742.
Genomic context (GRCh38, chr1:237,784,643, plus strand): 5'-TTCATGACCCTCTTGCACTTCGTGGCCAGCGTTTTCAGAGGCTTTTTCCGCATCATTTGC[A>C]GCCTGCTGCTTGGGGGAAGCCTCGTCGAAGGTGCTAAAAAGATCAAAGTTGCAGAACTGT-3'
Protein context (NP_001026.2, residues 4301-4321): VFRGFFRIIC[Ser4311Arg]LLLGGSLVEG

ClinVar aggregate classification (germline): Uncertain significance. Review status: criteria provided, multiple submitters, no conflicts (2 of 4 stars). 3 submissions from 3 submitters: Uncertain significance (3). Last evaluated 2024-03-06.

Conditions:
Catecholaminergic polymorphic ventricular tachycardia 1. Also called: VENTRICULAR TACHYCARDIA, CATECHOLAMINERGIC POLYMORPHIC, 1, WITH OR WITHOUT ATRIAL DYSFUNCTION AND/OR DILATED CARDIOMYOPATHY; VENTRICULAR TACHYCARDIA, STRESS-INDUCED POLYMORPHIC 1; RYR2-Related Catecholaminergic Polymorphic Ventricular Tachycardia. Identifiers: Orphanet 3286, MedGen C1631597, MONDO:0011484, OMIM 604772.
Cardiomyopathy (CMYO). Also called: Cardiomyopathies. Identifiers: Orphanet 167848, MedGen C0878544, MONDO:0004994, HP:0001638. Inheritance: Various modes of inheritance.

gnomAD v4.1: 1 of 1,613,522 alleles (0.000062%); highest among the groups gnomAD compares: Admixed American, 0.0017%; no homozygotes.

Submissions (3):

Color Diagnostics, LLC DBA Color Health
Classification: Uncertain significance for Cardiomyopathy. Last evaluated: 2024-03-06. Review status: criteria provided, single submitter. Criteria: ACMG Guidelines, 2015. Collection method: clinical testing. Allele origin: germline.
Comment: This missense variant replaces serine with arginine at codon 4311 of the RYR2 protein. Computational prediction suggests that this variant may not impact protein structure and function (internally defined REVEL score threshold <= 0.5, PMID: 27666373). To our knowledge, functional studies have not been reported for this variant. This variant has not been reported in individuals affected with cardiovascular disorders in the literature. This variant has not been identified in the general population by the Genome Aggregation Database (gnomAD). The available evidence is insufficient to determine the role of this variant in disease conclusively. Therefore, this variant is classified as a Variant of Uncertain Significance.

GeneDx
Classification: Uncertain significance. Last evaluated: 2023-04-04. Review status: criteria provided, single submitter. Criteria: GeneDx Variant Classification Process June 2021. Collection method: clinical testing. Allele origin: germline. Affected: yes.
Comment: Has not been previously published as pathogenic or benign to our knowledge; Not observed at significant frequency in large population cohorts (gnomAD); Located in one of the three hot-spot regions of the RYR2 gene, where the majority of pathogenic missense variants occur (Medeiros-Domingo et al., 2009); In silico analysis supports that this missense variant does not alter protein structure/function

Labcorp Genetics (formerly Invitae), Labcorp
Classification: Uncertain significance for Catecholaminergic polymorphic ventricular tachycardia 1. Last evaluated: 2022-03-14. Review status: criteria provided, single submitter. Criteria: Invitae Variant Classification Sherloc (09022015). Collection method: clinical testing. Allele origin: germline.
Comment: In summary, the available evidence is currently insufficient to determine the role of this variant in disease. Therefore, it has been classified as a Variant of Uncertain Significance. Advanced modeling of protein sequence and biophysical properties (such as structural, functional, and spatial information, amino acid conservation, physicochemical variation, residue mobility, and thermodynamic stability) performed at Invitae indicates that this missense variant is not expected to disrupt RYR2 protein function. ClinVar contains an entry for this variant (Variation ID: 1332060). This variant has not been reported in the literature in individuals affected with RYR2-related conditions. This variant is not present in population databases (gnomAD no frequency). This sequence change replaces serine, which is neutral and polar, with arginine, which is basic and polar, at codon 4311 of the RYR2 protein (p.Ser4311Arg).